The following is an entry in ClinVar:

ClinVar aggregate classification (germline): Conflicting classifications of pathogenicity. Review status: criteria provided, conflicting classifications (1 of 4 stars). 2 submissions from 2 submitters: Uncertain significance (1); Likely benign (1). Last evaluated 2024-03-11.

Conditions:
GABRB2-related epileptic encephalopathy.
Intellectual disability. Also called: Intellectual functioning disability; intellectual disabilities; Intellectual developmental disorder. Identifiers: MedGen C3714756, MeSH D008607, MONDO:0001071, HP:0001249.

gnomAD v4.1: 3 of 1,614,086 alleles (0.00019%); highest among the groups gnomAD compares: Non-Finnish European, 0.00025%; no homozygotes.

Submissions (2):

Labcorp Genetics (formerly Invitae), Labcorp
Classification: Likely benign for Intellectual disability. Last evaluated: 2024-03-11. Review status: criteria provided, single submitter. Criteria: Invitae Variant Classification Sherloc (09022015). Collection method: clinical testing. Allele origin: germline.

Illumina Laboratory Services, Illumina
Classification: Uncertain significance for GABRB2-related epileptic encephalopathy. Last evaluated: 2020-12-17. Review status: criteria provided, single submitter. Criteria: ICSLVariantClassificationCriteria RUGD 01 April 2020. Collection method: clinical testing. Allele origin: unknown.
Comment: The GABRB2 c.1310C>G (p.Ser437Cys) variant is a missense variant. A literature search was performed for the gene, cDNA change, and amino acid change. No publications were found based on this search. This variant is not found in the Genome Aggregation Database in a region of good sequencing coverage, so the variant is presumed to be rare. Based on the limited evidence, the p.Ser437Cys variant is classified as a variant of uncertain significance for GABRB2-related epileptic encephalopathy.

NM_001371727.1(GABRB2):c.1310C>G (p.Ser437Cys)

Gene: GABRB2 (gamma-aminobutyric acid type A receptor subunit beta2; minus strand). Cytogenetic location: 5q34.
Variant type: single nucleotide variant.
Coding change: c.1310C>G on transcript NM_001371727.1 (MANE Select); coding-DNA position 1310, C replaced by G.
Protein change: p.Ser437Cys; replaces serine 437 with cysteine.
Molecular consequence: missense variant.
Genome position (GRCh38, 1-based): chr5:161,294,310, G>C on the plus strand (C>G on the coding strand, the complement: GABRB2 is on the minus strand). VCF-style: chr5-161294310-G-C. GRCh37 (hg19) VCF-style: chr5-160721317-G-C.
Other names: c.1196C>G, p.Ser399Cys (NM_000813.3); c.1310C>G, p.Ser437Cys (NM_021911.3); short protein forms S399C, S437C.
Identifiers: ClinVar variation 1199243 (VCV001199243.7), dbSNP rs772398405, ClinGen allele CA362173414.